The following is an entry in ClinVar:

NM_004408.4(DNM1):c.676C>T (p.Pro226Ser)

Gene: DNM1 (dynamin 1; plus strand). Cytogenetic location: 9q34.11.
Variant type: single nucleotide variant.
Coding change: c.676C>T on transcript NM_004408.4 (MANE Select); coding-DNA position 676, C replaced by T.
Protein change: p.Pro226Ser; replaces proline 226 with serine.
Molecular consequence: missense variant.
Genome position (GRCh38, 1-based): chr9:128,220,074, C>T. VCF-style: chr9-128220074-C-T. GRCh37 (hg19) VCF-style: chr9-130982353-C-T.
Other names: c.676C>T, p.Pro226Ser (NM_001005336.3, NM_001288737.2, NM_001288738.2 and 2 more transcripts); c.676C>T (NM_004408.2); short protein forms P226S.
Identifiers: ClinVar variation 2167117 (VCV002167117.6), dbSNP rs2538984212, ClinGen allele CA375012690.

ClinVar aggregate classification (germline): Uncertain significance. Review status: criteria provided, multiple submitters, no conflicts (2 of 4 stars). 2 submissions from 2 submitters: Uncertain significance (2). Last evaluated 2025-05-05.

Conditions:
Inborn genetic diseases. Identifiers: MedGen C0950123, MeSH D030342.
Developmental and epileptic encephalopathy, 31A. Also called: Developmental and epileptic encephalopathy, 31; Epileptic encephalopathy, early infantile, 31. Identifiers: Orphanet 2382, MedGen C4225357, MONDO:0014598, OMIM 616346.

Submissions (2):

Labcorp Genetics (formerly Invitae), Labcorp
Classification: Uncertain significance for Developmental and epileptic encephalopathy, 31A. Last evaluated: 2025-05-05. Review status: criteria provided, single submitter. Criteria: Invitae Variant Classification Sherloc (09022015). Collection method: clinical testing. Allele origin: germline.
Comment: This sequence change replaces proline, which is neutral and non-polar, with serine, which is neutral and polar, at codon 226 of the DNM1 protein (p.Pro226Ser). This variant is not present in population databases (gnomAD no frequency). This variant has not been reported in the literature in individuals affected with DNM1-related conditions. ClinVar contains an entry for this variant (Variation ID: 2167117). Invitae Evidence Modeling of protein sequence and biophysical properties (such as structural, functional, and spatial information, amino acid conservation, physicochemical variation, residue mobility, and thermodynamic stability) indicates that this missense variant is not expected to disrupt DNM1 protein function with a negative predictive value of 80%. In summary, the available evidence is currently insufficient to determine the role of this variant in disease. Therefore, it has been classified as a Variant of Uncertain Significance.

Ambry Genetics
Classification: Uncertain significance for Inborn genetic diseases. Last evaluated: 2023-04-27. Review status: criteria provided, single submitter. Criteria: Ambry Variant Classification Scheme 2023. Collection method: clinical testing. Allele origin: germline.